The following is an entry in ClinVar:

NM_000069.3(CACNA1S):c.5189C>G (p.Ala1730Gly)

Gene: CACNA1S (calcium voltage-gated channel subunit alpha1 S; minus strand). Cytogenetic location: 1q32.1.
Variant type: single nucleotide variant.
Coding change: c.5189C>G on transcript NM_000069.3 (MANE Select); coding-DNA position 5189, C replaced by G.
Protein change: p.Ala1730Gly; replaces alanine 1730 with glycine.
Molecular consequence: missense variant.
Genome position (GRCh38, 1-based): chr1:201,040,659, G>C on the plus strand (C>G on the coding strand, the complement: CACNA1S is on the minus strand). VCF-style: chr1-201040659-G-C. GRCh37 (hg19) VCF-style: chr1-201009787-G-C.
Other names: c.5189C>G (NM_000069.2); short protein forms A1730G.
Identifiers: ClinVar variation 3071857 (VCV003071857.3), dbSNP rs1660135491, ClinGen allele CA344131964.
Genomic context (GRCh38, chr1:201,040,659, plus strand): 5'-TCCCAGGCCTCTGCCACTGTTACCTGGCAGGGGGCAGGAGGTGCCTGGCCTCTGGGCATT[G>C]CCCTCTGGGTCAGCAGTCCCTTCAGCATCTCCACACAGGGTTTGCTGTGGGGTCCTGTAT-3'
Protein context (NP_000060.2, residues 1720-1740): EMLKGLLTQR[Ala1730Gly]MPRGQAPPAP

ClinVar aggregate classification (germline): Uncertain significance. Review status: criteria provided, multiple submitters, no conflicts (2 of 4 stars). 2 submissions from 2 submitters: Uncertain significance (2). Last evaluated 2026-06-09.

Conditions:
Malignant hyperthermia, susceptibility to, 5 (MHS5). Also called: CACNA1S-Related Malignant Hyperthermia Susceptibility. Identifiers: Orphanet 423, MedGen C1866077, MONDO:0011163, OMIM 601887.
Inborn genetic diseases. Identifiers: MedGen C0950123, MeSH D030342.

Allele frequency attached by ClinVar (database versions not stated): TOPMed below 0.00001.
gnomAD v4.1: 1 of 1,614,118 alleles (0.000062%); highest among the groups gnomAD compares: Admixed American, 0.0017%; no homozygotes.

Submissions (2):

Ambry Genetics
Classification: Uncertain significance for Inborn genetic diseases. Last evaluated: 2026-06-09. Review status: criteria provided, single submitter. Criteria: Ambry Variant Classification Scheme 2023. Collection method: clinical testing. Allele origin: germline.

All of Us Research Program, National Institutes of Health
Classification: Uncertain significance for Malignant hyperthermia, susceptibility to, 5. Last evaluated: 2024-08-06. Review status: criteria provided, single submitter. Criteria: ACMG Guidelines, 2015. Collection method: clinical testing. Allele origin: germline. Inheritance: Autosomal dominant inheritance. Observed: 2 variant alleles, 2 heterozygotes.
Comment: This missense variant replaces alanine with glycine at codon 1730 of the CACNA1S protein. Computational prediction suggests that this variant may not impact protein structure and function (internally defined REVEL score threshold <= 0.5, PMID: 27666373). To our knowledge, functional studies have not been reported for this variant. This variant has not been reported in individuals affected with CACNA1S-related disorders in the literature. This variant has not been identified in the general population by the Genome Aggregation Database (gnomAD). The available evidence is insufficient to determine the role of this variant in disease conclusively. Therefore, this variant is classified as a Variant of Uncertain Significance.

This study involves interpretation of variants in research participants for the purpose of population health screening. Participant phenotype was not available at the time of variant classification. Additional details can be found in publication PMID: 35346344, PMCID: PMC8962531